The following is an entry in ClinVar:

NM_018006.5(TRMU):c.*43T>G

Gene: TRMU (tRNA mitochondrial 2-thiouridylase; plus strand). Cytogenetic location: 22q13.31.
Variant type: single nucleotide variant.
Coding change: c.*43T>G on transcript NM_018006.5 (MANE Select); 43 bases downstream of the stop codon, T replaced by G.
Molecular consequence: 3 prime UTR variant. On other transcripts: non-coding transcript variant (2).
Genome position (GRCh38, 1-based): chr22:46,357,049, T>G. VCF-style: chr22-46357049-T-G. GRCh37 (hg19) VCF-style: chr22-46752946-T-G.
Other names: c.*43T>G (NM_001282782.2, NM_001282783.2); c.*95T>G (NM_001282784.2, NM_001282785.2).
Identifiers: ClinVar variation 342020 (VCV000342020.7), dbSNP rs113302712, ClinGen allele CA10292494.

ClinVar aggregate classification (germline): Benign. Review status: criteria provided, multiple submitters, no conflicts (2 of 4 stars). 3 submissions from 3 submitters: Benign (3). Last evaluated 2018-06-14.

Conditions:
Acute infantile liver failure due to synthesis defect of mtDNA-encoded proteins. Also called: Liver failure acute infantile; TRMU Deficiency; LIVER FAILURE, INFANTILE, TRANSIENT. Identifiers: Orphanet 217371, MedGen C3278664, MONDO:0013111, OMIM 613070.

Allele frequency attached by ClinVar (database versions not stated): 1000 Genomes Project 30x 0.07886; ESP Exome Variant Server 0.07120; TOPMed 0.07165; 1000 Genomes Project 0.07288.
gnomAD v4.1: 19,525 of 1,611,662 alleles (1.2%); highest among the groups gnomAD compares: African/African-American, 22%; 1,891 homozygotes.

Submissions (3):

GeneDx
Classification: Benign. Last evaluated: 2018-06-14. Review status: criteria provided, single submitter. Criteria: GeneDx Variant Classification Process June 2021. Collection method: clinical testing. Allele origin: germline. Affected: yes.

Illumina Laboratory Services, Illumina
Classification: Benign for Acute infantile liver failure due to synthesis defect of mtDNA-encoded proteins. Last evaluated: 2018-01-13. Review status: criteria provided, single submitter. Criteria: ICSL Variant Classification Criteria 13 December 2019. Collection method: clinical testing. Allele origin: germline.
Comment: This variant was observed in the ICSL laboratory as part of a predisposition screen in an ostensibly healthy population. It had not been previously curated by ICSL or reported in the Human Gene Mutation Database (HGMD: prior to June 1st, 2018), and was therefore a candidate for classification through an automated scoring system. Utilizing variant allele frequency, disease prevalence and penetrance estimates, and inheritance mode, an automated score was calculated to assess if this variant is too frequent to cause the disease. Based on the score and internal cut-off values, a variant classified as benign is not then subjected to further curation. The score for this variant resulted in a classification of benign for this disease.

Breakthrough Genomics
Classification: Benign. Review status: criteria provided, single submitter. Criteria: ACMG Guidelines, 2015. Collection method: not provided. Allele origin: germline. Inheritance: Unknown mechanism. Affected: yes.